The following is an entry in ClinVar:

NM_004369.4(COL6A3):c.5938G>C (p.Val1980Leu)

Gene: COL6A3 (collagen type VI alpha 3 chain; minus strand). Cytogenetic location: 2q37.3.
Variant type: single nucleotide variant.
Coding change: c.5938G>C on transcript NM_004369.4 (MANE Select); coding-DNA position 5938, G replaced by C.
Protein change: p.Val1980Leu; replaces valine 1980 with leucine.
Molecular consequence: missense variant.
Genome position (GRCh38, 1-based): chr2:237,363,378, C>G on the plus strand (G>C on the coding strand, the complement: COL6A3 is on the minus strand). VCF-style: chr2-237363378-C-G. GRCh37 (hg19) VCF-style: chr2-238272021-C-G.
Other names: c.4117G>C, p.Val1373Leu (NM_057166.5); c.5320G>C, p.Val1774Leu (NM_057167.4); short protein forms V1373L, V1980L, V1774L.
Identifiers: ClinVar variation 2157077 (VCV002157077.7), dbSNP rs1474166955, ClinGen allele CA351219224.

ClinVar aggregate classification (germline): Uncertain significance. Review status: criteria provided, multiple submitters, no conflicts (2 of 4 stars). 2 submissions from 2 submitters: Uncertain significance (2). Last evaluated 2025-04-14.

Conditions:
Bethlem myopathy 1A. Also called: Bethlem Muscular Dystrophy; Bethlem myopathy 1; MYOPATHY, BENIGN CONGENITAL, WITH CONTRACTURES. Identifiers: Orphanet 610, MedGen CN029274, MONDO:0024530, OMIM 158810.

Allele frequency attached by ClinVar (database versions not stated): gnomAD exomes 0.00001; TOPMed 0.00001.
gnomAD v4.1: 4 of 1,614,024 alleles (0.00025%); highest among the groups gnomAD compares: Non-Finnish European, 0.00025%; no homozygotes.

Submissions (2):

Labcorp Genetics (formerly Invitae), Labcorp
Classification: Uncertain significance for Bethlem myopathy 1A. Last evaluated: 2025-04-14. Review status: criteria provided, single submitter. Criteria: Invitae Variant Classification Sherloc (09022015). Collection method: clinical testing. Allele origin: germline.
Comment: This sequence change replaces valine, which is neutral and non-polar, with leucine, which is neutral and non-polar, at codon 1980 of the COL6A3 protein (p.Val1980Leu). This variant is present in population databases (no rsID available, gnomAD 0.0009%). This variant has not been reported in the literature in individuals affected with COL6A3-related conditions. ClinVar contains an entry for this variant (Variation ID: 2157077). Invitae Evidence Modeling of protein sequence and biophysical properties (such as structural, functional, and spatial information, amino acid conservation, physicochemical variation, residue mobility, and thermodynamic stability) indicates that this missense variant is expected to disrupt COL6A3 protein function with a positive predictive value of 80%. In summary, the available evidence is currently insufficient to determine the role of this variant in disease. Therefore, it has been classified as a Variant of Uncertain Significance.

Revvity Omics, Revvity
Classification: Uncertain significance. Last evaluated: 2021-10-17. Review status: criteria provided, single submitter. Criteria: ACMG Guidelines, 2015. Collection method: clinical testing. Allele origin: germline.